The following is an entry in ClinVar:

NM_000132.4(F8):c.98G>A (p.Trp33Ter)

Gene: F8 (coagulation factor VIII; minus strand). Cytogenetic location: Xq28.
Variant type: single nucleotide variant.
Coding change: c.98G>A on transcript NM_000132.4 (MANE Select); coding-DNA position 98, G replaced by A.
Protein change: p.Trp33Ter; replaces tryptophan 33 with a stop codon.
Molecular consequence: nonsense.
Genome position (GRCh38, 1-based): chrX:155,022,455, C>T on the plus strand (G>A on the coding strand, the complement: F8 is on the minus strand). VCF-style: chrX-155022455-C-T. GRCh37 (hg19) VCF-style: chrX-154250730-C-T.
Other names: short protein forms W33*.
Identifiers: ClinVar variation 4081666 (VCV004081666.1).

ClinVar aggregate classification (germline): Pathogenic (1 of 4 stars; one submission).

Conditions:
Hereditary factor VIII deficiency disease (HEMA). Also called: HEMOPHILIA, CLASSIC; AUTOSOMAL HEMOPHILIA A; Hemophilia A; Hemophilia A, congenital; HEM A; Factor 8 deficiency, congenital. Identifiers: Orphanet 98878, MedGen C0019069, MONDO:0010602, OMIM 306700.

Submission:

Myriad Genetics, Inc.
Classification: Pathogenic for Hereditary factor VIII deficiency disease. Last evaluated: 2025-05-05. Review status: criteria provided, single submitter. Criteria: Myriad Autosomal Dominant, Autosomal Recessive and X-Linked Classification Criteria (2023). Collection method: clinical testing. Allele origin: unknown.
Comment: NM_000132.3(F8):c.98G>A(W33*) is a nonsense variant classified as pathogenic in the context of hemophilia A. W33* has been observed in cases with relevant disease (PMID: 12930394, 33245802, 33706050). Relevant functional assessments of this variant are not available in the literature. W33* has not been observed in referenced population frequency databases. In summary, NM_000132.3(F8):c.98G>A(W33*) is a nonsense variant in a gene where loss of function is a known mechanism of disease, is predicted to disrupt protein function, and has been observed more frequently in cases with the relevant disease than in healthy populations. Please note: this variant was assessed in the context of healthy population screening.

Literature cited by the submitters: PubMed 12930394; PubMed 33245802; PubMed 33706050.